The following is an entry in ClinVar:

NM_001374385.1(ATP8B1):c.2596_2599dup (p.Arg867fs)

Genes: ATP8B1 (ATPase phospholipid transporting 8B1; minus strand), ATP8B1-AS1 (ATP8B1 antisense RNA 1; plus strand). Cytogenetic location: 18q21.31.
Variant type: Duplication.
Coding change: c.2596_2599dup on transcript NM_001374385.1 (MANE Select); coding-DNA positions 2596 to 2599, 4 bases duplicated (TGCC; older notation c.2596_2599dupTGCC).
Protein change: p.Arg867fs; shifts the reading frame from arginine 867.
Molecular consequence: frameshift variant.
Genome position (GRCh38, 1-based): chr18:57,661,282-57,661,285, GGCA duplicated on the plus strand (TGCC on the coding strand, the reverse complement: ATP8B1 is on the minus strand); duplicating any 4 consecutive bases within chr18:57,661,282-57,661,286 gives the same sequence; the c. name uses the placement nearest the transcript's 3' end. VCF-style (leftmost placement, unchanged base first): chr18-57661281-C-CGGCA. GRCh37 (hg19) VCF-style: chr18-55328513-C-CGGCA.
Other names: c.2446_2449dup, p.Arg817fs (NM_001374386.1); c.2596_2599dup, p.Arg867fs (NM_005603.6); short protein forms R817fs, R867fs.
Identifiers: ClinVar variation 4846278 (VCV004846278.1).

ClinVar aggregate classification (germline): Pathogenic (1 of 4 stars; one submission).

Conditions:
Familial intrahepatic cholestasis. Identifiers: Orphanet 284385, MedGen CN296401, MONDO:0017290.

Submission:

Genomenon, Inc
Classification: Pathogenic for Familial intrahepatic cholestasis. Last evaluated: 2026-04-14. Review status: criteria provided, single submitter. Criteria: Genomenon Sequence Variant Interpretation Standards - Updated. Collection method: curation. Allele origin: germline. Affected: yes.
Comment: ATP8B1 p.Arg867LeufsTer32 (c.2596_2599dup) is a frameshift variant that results in the production of a truncated protein which is predicted to undergo nonsense-mediated mRNA decay. This variant has been observed in at least one proband with features of ATP8B1-deficiency (PMID:15239083). It is absent or not present at a significant frequency in gnomAD. In conclusion, we classify ATP8B1 p.Arg867LeufsTer32 (c.2596_2599dup) as a pathogenic variant.

Literature cited by the submitters: PubMed 15239083.